The following is an entry in ClinVar:

NM_182961.4(SYNE1):c.7091A>G (p.Asn2364Ser)

Gene: SYNE1 (spectrin repeat containing nuclear envelope protein 1; minus strand). Cytogenetic location: 6q25.2.
Variant type: single nucleotide variant.
Coding change: c.7091A>G on transcript NM_182961.4 (MANE Select); coding-DNA position 7091, A replaced by G.
Protein change: p.Asn2364Ser; replaces asparagine 2364 with serine.
Molecular consequence: missense variant.
Genome position (GRCh38, 1-based): chr6:152,399,762, T>C on the plus strand (A>G on the coding strand, the complement: SYNE1 is on the minus strand). VCF-style: chr6-152399762-T-C. GRCh37 (hg19) VCF-style: chr6-152720897-T-C.
Other names: c.7112A>G, p.Asn2371Ser (NM_033071.5); short protein forms N2364S, N2371S.
Identifiers: ClinVar variation 859975 (VCV000859975.7), dbSNP rs776339735, ClinGen allele CA4057914.

ClinVar aggregate classification (germline): Uncertain significance (1 of 4 stars; one submission).

Conditions:
Emery-Dreifuss muscular dystrophy 4, autosomal dominant (EDMD4). Also called: EMERY-DREIFUSS MUSCULAR DYSTROPHY 4 WITH VARIABLE FEATURES. Identifiers: Orphanet 261, MedGen C2751807, MONDO:0013071, OMIM 612998.
Autosomal recessive ataxia, Beauce type. Also called: ATAXIA, RECESSIVE, OF BEAUCE; SYNE1 Deficiency; Spinocerebellar ataxia, autosomal recessive 8; SYNE1-Related Autosomal Recessive Cerebellar Ataxia. Identifiers: Orphanet 88644, MedGen C1853116, MONDO:0012549, OMIM 610743.

Allele frequency attached by ClinVar (database versions not stated): gnomAD exomes below 0.00001 and 0.00001; ExAC 0.00001.
gnomAD v4.1: 13 of 1,614,174 alleles (0.00081%); highest among the groups gnomAD compares: Non-Finnish European, 0.0011%; no homozygotes.

Submission:

Labcorp Genetics (formerly Invitae), Labcorp
Classification: Uncertain significance for Emery-Dreifuss muscular dystrophy 4, autosomal dominant; Autosomal recessive ataxia, Beauce type. Last evaluated: 2019-03-13. Review status: criteria provided, single submitter. Criteria: Invitae Variant Classification Sherloc (09022015). Collection method: clinical testing. Allele origin: germline.
Comment: In summary, the available evidence is currently insufficient to determine the role of this variant in disease. Therefore, it has been classified as a Variant of Uncertain Significance. Algorithms developed to predict the effect of missense changes on protein structure and function are either unavailable or do not agree on the potential impact of this missense change (SIFT: "Deleterious"; PolyPhen-2: "Benign"; Align-GVGD: "Class C45"). This variant has not been reported in the literature in individuals with SYNE1-related conditions. This variant is present in population databases (rs776339735, ExAC 0.001%). This sequence change replaces asparagine with serine at codon 2371 of the SYNE1 protein (p.Asn2371Ser). The asparagine residue is highly conserved and there is a small physicochemical difference between asparagine and serine.